The following is an entry in ClinVar:

NM_000080.4(CHRNE):c.535A>C (p.Thr179Pro)

Genes: C17orf107 (chromosome 17 open reading frame 107; plus strand), CHRNE (cholinergic receptor nicotinic epsilon subunit; minus strand). Cytogenetic location: 17p13.2.
Variant type: single nucleotide variant.
Coding change: c.535A>C on transcript NM_000080.4 (MANE Select); coding-DNA position 535, A replaced by C.
Protein change: p.Thr179Pro; replaces threonine 179 with proline.
Molecular consequence: missense variant. On other transcripts: 3 prime UTR variant (1).
Genome position (GRCh38, 1-based): chr17:4,901,591, T>G on the plus strand (A>C on the coding strand, the complement: CHRNE is on the minus strand). VCF-style: chr17-4901591-T-G. GRCh37 (hg19) VCF-style: chr17-4804886-T-G.
Other names: c.*1058T>G (NM_001145536.2); c.535A>C (NM_000080.3); short protein forms T179P.
Identifiers: ClinVar variation 2680805 (VCV002680805.4), dbSNP rs748624980, ClinGen allele CA8314369.

ClinVar aggregate classification (germline): Conflicting classifications of pathogenicity. Review status: criteria provided, conflicting classifications (1 of 4 stars). 4 submissions from 4 submitters: Pathogenic (1); Likely pathogenic (2); Uncertain significance (1). Last evaluated 2024-06-26.

Conditions:
Congenital myasthenic syndrome 4B. Also called: Myasthenic syndrome, congenital, 4b, fast-channel. Identifiers: Orphanet 590, MedGen C4225369, MONDO:0014586, OMIM 616324.
Congenital myasthenic syndrome 4A. Also called: Myasthenic syndrome, congenital, 4a, slow-channel; CONGENITAL MYASTHENIC SYNDROME TYPE Ia1; MYASTHENIC SYNDROME, CONGENITAL, 4A, SLOW-CHANNEL, AUTOSOMAL RECESSIVE. Identifiers: Orphanet 590, MedGen C4225413, MONDO:0011600, OMIM 605809.
Congenital myasthenic syndrome 4C (CMS4C). Also called: Myasthenic syndrome, congenital, associated with acetylcholine receptor deficiency. Identifiers: Orphanet 590, MedGen C1837091, MONDO:0012157, OMIM 608931.
Congenital myasthenic syndrome (CMS). Also called: Congenital Myasthenic Syndromes. Identifiers: Orphanet 590, MedGen C0751882, MeSH D020294, MONDO:0018940.

gnomAD v4.1: 5 of 1,614,126 alleles (0.00031%); highest among the groups gnomAD compares: Middle Eastern, 0.016%; no homozygotes.

Submissions (4):

Women's Health and Genetics/Laboratory Corporation of America, LabCorp
Classification: Pathogenic for Congenital myasthenic syndrome. Last evaluated: 2024-06-26. Review status: criteria provided, single submitter. Criteria: LabCorp Variant Classification Summary - May 2015. Collection method: clinical testing. Allele origin: germline.
Comment: Variant summary: CHRNE c.535A>C (p.Thr179Pro) results in a non-conservative amino acid change located in the Neurotransmitter-gated ion-channel ligand-binding domain (IPR006202) of the encoded protein sequence. Four of five in-silico tools predict a benign effect of the variant on protein function. The variant allele was found at a frequency of 8e-06 in 250256 control chromosomes. c.535A>C has been reported in the literature in multiple biallelic individuals affected with Congenital Myasthenic Syndrome (e.g. Ardissone_2017, Wang_2000). These data indicate that the variant is very likely to be associated with disease. To our knowledge, no experimental evidence demonstrating an impact on protein function has been reported. The following publications have been ascertained in the context of this evaluation (PMID: 28690392, 10962020). ClinVar contains an entry for this variant (Variation ID: 2680805). Based on the evidence outlined above, the variant was classified as pathogenic.

Natera, Inc.
Classification: Likely pathogenic for Congenital myasthenic syndrome. Last evaluated: 2024-02-27. Review status: criteria provided, single submitter. Criteria: Natera Variant Classification Schema (03/2026). Collection method: clinical testing. Allele origin: germline.
Comment: The c.535A>C variant in CHRNE is a missense variant predicted to cause substitution of threonine to proline at amino acid 179. This variant is rare in the general population with a frequency below the threshold expected for the associated phenotype(s). This variant has been observed in one or more individuals affected with the associated recessive disease, as either homozygous or compound heterozygous with a second variant (PMID: 28690392, 30124556). Additionally, this variant has been observed to segregate in affected family members (PMID: 28690392, 30124556). Multiple computational prediction algorithms suggest this variant is unlikely to affect gene or protein function. Given the available evidence, this variant is classified as Likely Pathogenic.

Baylor Genetics
Classification: Likely pathogenic for Congenital myasthenic syndrome 4A. Last evaluated: 2022-12-22. Review status: criteria provided, single submitter. Criteria: ACMG Guidelines, 2015. Collection method: clinical testing. Allele origin: unknown.

Kariminejad - Najmabadi Pathology & Genetics Center
Classification: Uncertain significance for Congenital myasthenic syndrome 4A; Congenital myasthenic syndrome 4B; Congenital myasthenic syndrome 4C. Last evaluated: 2022-08-28. Review status: criteria provided, single submitter. Criteria: ACMG Guidelines, 2015. Collection method: clinical testing. Allele origin: germline. Inheritance: Autosomal recessive inheritance. Affected: yes.
Comment: PM2, PM3, PP4, BP4

Literature cited by the submitters: PubMed 28690392 (cited by Women's Health and Genetics/Laboratory Corporation of America, LabCorp and Natera, Inc.); PubMed 10962020 (cited by Women's Health and Genetics/Laboratory Corporation of America, LabCorp); PubMed 30124556 (cited by Natera, Inc.).